The following is an entry in ClinVar:

ClinVar aggregate classification (germline): Pathogenic. Review status: criteria provided, multiple submitters, no conflicts (2 of 4 stars). 17 submissions from 17 submitters: Pathogenic (13). 4 of the submissions do not count toward it. Last evaluated 2026-04-27.

Conditions:
SLC3A1-related disorder. Also called: SLC3A1-related condition.
Cystinuria (CSNU). Also called: CYSTINURIA, TYPE I; CYSTINURIA, TYPE II; CYSTINURIA, TYPE III; Cystinuria, non-type I. Identifiers: Orphanet 214, MedGen C0010691, MONDO:0009067, OMIM 220100, HP:0003131.
Autism spectrum disorder. Also called: Autism spectrum disorders. Identifiers: MedGen C1510586, MeSH D000067877, MONDO:0005258.

Allele frequency attached by ClinVar (database versions not stated): gnomAD exomes 0.00017 and 0.00039; gnomAD 0.00018 and 0.00019; TOPMed 0.00019; ExAC 0.00022; ESP Exome Variant Server 0.00023.
gnomAD v4.1: 300 of 1,613,664 alleles (0.019%); highest among the groups gnomAD compares: Middle Eastern, 0.016%; 1 homozygote.

Submissions 1 to 14 of 17:

GeneDx
Classification: Pathogenic. Last evaluated: 2026-04-27. Review status: criteria provided, single submitter. Criteria: GeneDx Variant Classification Process June 2021. Collection method: clinical testing. Allele origin: germline.
Comment: Reported with a second variant (phase unknown) in patients with cystinuria in published literature (PMID: 11260385, 12234283); Nonsense variant predicted to result in protein truncation or nonsense mediated decay in a gene for which loss of function is a known mechanism of disease; This variant is associated with the following publications: (PMID: 18184518, 25525159, 16225397, 28717662, 28646536, 15635077, 24178689, 34426522, 31589614, 30476936, 38287090, 39096151, 40794449, 9768685, 7539209, 9186880, 11260385, 12234283)

PreventionGenetics, part of Exact Sciences
Classification: Pathogenic for SLC3A1-related condition. Last evaluated: 2026-04-16. Review status: criteria provided, single submitter. Criteria: ACMG Guidelines, 2015. Collection method: clinical testing. Allele origin: germline.
Comment: The SLC3A1 c.808C>T variant is predicted to result in premature protein termination (p.Arg270*). This variant has been reported in the homozygous and compound heterozygous states in multiple individuals with autosomal recessive cystinuria (Pras et al. 1995. PubMed ID: 7539209; Endsley et al. 1997. PubMed ID: 9186880; Botzenhart et al. 2002. PubMed ID: 12234283; Chatzikyriakidou et al. 2005. PubMed ID: 16225397; Tostivint et al. 2017. PubMed ID: 28646536) and has been reported to co-segregate with disease in at least one family (Gitomer et al. 1998. PubMed ID: 9768685). This variant is reported in 0.88% of alleles in individuals of Ashkenazi Jewish descent in gnomAD and has been described as a possible founder variant (Pras et al. 1995. PubMed ID: 7539209). Nonsense variants in SLC3A1 are expected to be pathogenic. This variant is interpreted as pathogenic.

Rare Kidney Stone Consortium and the Mayo Clinic Hyperoxaluria Center, Mayo Clinic
Classification: Pathogenic for Cystinuria. Last evaluated: 2025-10-03. Review status: criteria provided, single submitter. Criteria: ACMG Guidelines, 2015. Collection method: research. Allele origin: germline. Affected: yes. Observed: 2 variant alleles.
Comment: ACMG:PVS1, PM2, PM3, PP5

Mayo Clinic Laboratories, Mayo Clinic
Classification: Pathogenic. Last evaluated: 2025-03-31. Review status: criteria provided, single submitter. Criteria: ACMG Guidelines, 2015. Collection method: clinical testing. Allele origin: germline. Observed: 2 variant alleles.
Comment: PP4, PM3_very_strong, PVS1

Revvity Omics, Revvity
Classification: Pathogenic for Cystinuria. Last evaluated: 2025-01-13. Review status: criteria provided, single submitter. Criteria: ACMG Guidelines, 2015. Collection method: clinical testing. Allele origin: germline.

Dasa
Classification: Pathogenic. Last evaluated: 2024-12-16. Review status: criteria provided, single submitter. Criteria: DASA Assertion Criteria. Collection method: clinical testing. Allele origin: germline.
Comment: NM_000341.4(SLC3A1):c.808C>T (p.Arg270*) introduces a premature termination codon predicted to result in loss of normal protein function. Loss-of-function is an established mechanism of disease for this gene. This variant has been observed in affected individuals with related phenotype in a genotype context consistent with recessive disease. The variant is present at low frequency in population datasets. Based on the available data, this variant is classified as pathogenic.

Labcorp Genetics (formerly Invitae), Labcorp
Classification: Pathogenic for Cystinuria. Last evaluated: 2024-11-11. Review status: criteria provided, single submitter. Criteria: Invitae Variant Classification Sherloc (09022015). Collection method: clinical testing. Allele origin: germline.
Comment: This sequence change creates a premature translational stop signal (p.Arg270*) in the SLC3A1 gene. It is expected to result in an absent or disrupted protein product. Loss-of-function variants in SLC3A1 are known to be pathogenic (PMID: 24610330, 25109415, 25964309). This variant is present in population databases (rs200483989, gnomAD 0.8%). This premature translational stop signal has been observed in individuals with cystinuria (PMID: 7539209, 28646536). ClinVar contains an entry for this variant (Variation ID: 336195). For these reasons, this variant has been classified as Pathogenic.

Blueprint Genetics
Classification: Pathogenic for SLC3A1-related disorders. Last evaluated: 2024-10-16. Review status: criteria provided, single submitter. Criteria: ACMG Guidelines, 2015. Collection method: clinical testing. Allele origin: germline. Affected: yes. Observed: 5 variant alleles.

Victorian Clinical Genetics Services, Murdoch Childrens Research Institute
Classification: Pathogenic for Cystinuria. Last evaluated: 2024-10-10. Review status: criteria provided, single submitter. Criteria: ACMG Guidelines, 2015. Collection method: clinical testing. Allele origin: germline. Affected: yes.
Comment: Based on the classification scheme VCGS_Germline_v1.3.4, this variant is classified as Pathogenic. Following criteria are met: 0102 - Loss of function is a known mechanism of disease in this gene and is associated with cystinuria (MIM#220100). (I) 0108 - This gene is associated with both recessive and dominant disease. Although predominantly associated with recessive disease, there are reports of affected carriers (PMID: 15635077, 25964309). (I) 0112 - The dominant condition associated with this gene has incomplete penetrance (PMID: 22480232). (I) 0201 - Variant is predicted to cause nonsense-mediated decay (NMD) and loss of protein (premature termination codon is located at least 54 nucleotides upstream of the final exon-exon junction). (SP) 0251 - This variant is heterozygous. (I) 0304 - Variant is present in gnomAD (v2) <0.01 (101 heterozygotes, 0 homozygotes). (SP) 0701 - Other NMD-predicted variants comparable to the one identified in this case have very strong previous evidence for pathogenicity (DECIPHER). (SP) 0801 - This variant has strong previous evidence of pathogenicity in unrelated individuals. This variant has been reported many times as pathogenic, and observed in homozygous and compound heterozygous individuals with cystinuria (ClinVar). (SP) 1101 - Very strong and specific phenotype match for this individual. (SP) 1201 - Heterozygous variant detected in trans with a second likely pathogenic heterozygous variant (NM_000341.3(SLC3A1):c.2014_2015delinsTA; p.(Ala672*)) in a recessive disease. (I) Legend: (SP) - Supporting pathogenic, (I) - Information, (SB) - Supporting benign

Fulgent Genetics
Classification: Pathogenic for Cystinuria. Last evaluated: 2024-06-12. Review status: criteria provided, single submitter. Criteria: ACMG Guidelines, 2015. Collection method: clinical testing. Allele origin: germline.

CeGaT Center for Human Genetics Tuebingen
Classification: Pathogenic. Last evaluated: 2023-11-01. Review status: criteria provided, single submitter. Criteria: CeGaT Center For Human Genetics Tuebingen Variant Classification Criteria Version 2. Collection method: clinical testing. Allele origin: germline. Affected: yes. Observed: 1 variant allele.
Comment: SLC3A1: PVS1, PM2

Department of Pathology and Laboratory Medicine, Sinai Health System
Classification: Pathogenic for Cystinuria. Last evaluated: 2022-08-31. Review status: criteria provided, single submitter. Criteria: ACMG Guidelines, 2015. Collection method: research. Allele origin: germline.

Illumina Laboratory Services, Illumina
Classification: Pathogenic for Cystinuria. Last evaluated: 2017-04-28. Review status: criteria provided, single submitter. Criteria: ICSL Variant Classification Criteria 09 May 2019. Collection method: clinical testing. Allele origin: germline.
Comment: The SLC3A1 c.808C>T (p.Arg270Ter) variant has been reported in at least 11 individuals with cystinuria, including two siblings, in a homozygous state, and one individual in a compound heterozygous state (Pras et al. 1995; Endsley et al. 1997; Gitomet et al. 1998; Botzenhart et al. 2002; Chatzikyriakidou et al. 2005; Merieau et al. 2009). Four of the individuals homozygous for the p.Arg270Ter variant were of Ashkenazi Jewish ancestry (Pras et al. 1995). Control data are not available for the variant which is reported at a frequency of 0.00041 in the European (non-Finnish) population of the Exome Aggregation Consortium database. Based on the evidence and due to the potential impact of stop-gained variants, the p.Arg270Ter variant is classified as pathogenic for cystinuria. This variant was observed by ICSL as part of a predisposition screen in an ostensibly healthy population.

Gene Friend Way, National Innovation Center
Classification: Pathogenic for Autism spectrum disorder. Last evaluated: 2023-07-28. Review status: no assertion criteria provided. Collection method: clinical testing. Allele origin: unknown. Affected: yes. Observed: 1 variant allele. Not counted in ClinVar's aggregate classification.
Comment: This sequence change creates a premature translational stop signal (p.Arg270*) in the SLC3A1 gene. It is expected to result in an absent or disrupted protein product which can manifest as kidney disease. In autism, there have been studies that show a link between ASD and kidney disease. PMID: 33340339. Mutations in SLC3A1 are known as the causative factor of cystinuria, which involving the defective transepithelial transport of cystine and the ability to reabsorb cystine into the blood (PMID: 25109415, 25964309). Meanwhile, plasma concentration of cystein is significantly decreased in ASD children (PMID: 15585776).

NM_000341.4(SLC3A1):c.808C>T (p.Arg270Ter)

Gene: SLC3A1 (solute carrier family 3 member 1; plus strand). Cytogenetic location: 2p21.
Variant type: single nucleotide variant.
Coding change: c.808C>T on transcript NM_000341.4 (MANE Select); coding-DNA position 808, C replaced by T.
Protein change: p.Arg270Ter; replaces arginine 270 with a stop codon.
Molecular consequence: nonsense.
Genome position (GRCh38, 1-based): chr2:44,286,074, C>T. VCF-style: chr2-44286074-C-T. GRCh37 (hg19) VCF-style: chr2-44513213-C-T.
Other names: p.Arg270*; short protein forms R270*.
Identifiers: ClinVar variation 336195 (VCV000336195.55), dbSNP rs200483989, ClinGen allele CA1640281.
Genomic context (GRCh38, chr2:44,286,074, plus strand): 5'-GTTTTCTTTGTTTGCCAGTTAAGTGTGTATGGAAACTCCAGTTGGCACTTTGACGAAGTG[C>T]GAAACCAATGTTATTTTCATCAGTTTATGAAAGAGCAACCTGATTTAAATTTCCGCAATC-3'